The following is an entry in ClinVar:

ClinVar aggregate classification (germline): Likely pathogenic (1 of 4 stars; one submission).

Conditions:
Gaucher disease. Also called: Acute cerebral Gaucher disease; Cerebroside lipidosis syndrome; Gaucher splenomegaly; Sphingolipidosis 1; Glucocerebrosidosis; Glucosylceramidase deficiency. Identifiers: Orphanet 355, MedGen C0017205, MONDO:0018150.

Submission:

Natera, Inc.
Classification: Likely pathogenic for Gaucher disease. Last evaluated: 2024-07-15. Review status: criteria provided, single submitter. Criteria: Natera Variant Classification Schema (03/2026). Collection method: clinical testing. Allele origin: germline.
Comment: The c.149_154dupACAGCT variant in GBA1 is an in-frame insertion. This variant is rare in the general population with a frequency below the threshold expected for the associated phenotype(s). This variant has been observed in one or more individuals affected with the associated recessive disease, as either homozygous or compound heterozygous with a second variant (PMID: 34649574, 10796875). This variant results in a change to the protein length while preserving reading frame, which may disrupt normal protein structure or function. Given the available evidence, this variant is classified as Likely Pathogenic.

Literature cited by the submitters: PubMed 34649574; PubMed 10796875.

NM_000157.4(GBA1):c.149_154dup (p.Ser51_Ser52insTyrSer)

Genes: GBA1 (glucosylceramidase beta 1; minus strand), LOC106627981 (GBA recombination region; plus strand). Cytogenetic location: 1q22.
Variant type: Duplication.
Coding change: c.149_154dup on transcript NM_000157.4 (MANE Select); coding-DNA positions 149 to 154, 6 bases duplicated (ACAGCT; older notation c.149_154dupACAGCT).
Protein change: p.Ser51_Ser52insTyrSer.
Molecular consequence: inframe insertion. On other transcripts: 5 prime UTR variant (1).
Genome position (GRCh38, 1-based): chr1:155,240,039-155,240,044, AGCTGT duplicated on the plus strand (ACAGCT on the coding strand, the reverse complement: GBA1 is on the minus strand); duplicating any 6 consecutive bases within chr1:155,240,039-155,240,047 gives the same sequence; the c. name uses the placement nearest the transcript's 3' end. VCF-style (leftmost placement, unchanged base first): chr1-155240038-G-GAGCTGT. GRCh37 (hg19) VCF-style: chr1-155209829-G-GAGCTGT.
Other names: c.149_154dup, p.Ser51_Ser52insTyrSer (NM_001005741.3, NM_001005742.3, NM_001171812.2); c.-113_-108dup (NM_001171811.2).
Identifiers: ClinVar variation 4817729 (VCV004817729.1).